The following is an entry in ClinVar:

NM_001366145.2(TRPM3):c.4913A>G (p.Asn1638Ser)

Genes: KLF9-DT (KLF9 divergent transcript; plus strand), TRPM3 (transient receptor potential cation channel subfamily M member 3; minus strand). Cytogenetic location: 9q21.12.
Variant type: single nucleotide variant.
Coding change: c.4913A>G on transcript NM_001366145.2 (MANE Select); coding-DNA position 4913, A replaced by G.
Protein change: p.Asn1638Ser; replaces asparagine 1638 with serine.
Molecular consequence: missense variant. On other transcripts: intron variant (8).
Genome position (GRCh38, 1-based): chr9:70,536,200, T>C on the plus strand (A>G on the coding strand, the complement: TRPM3 is on the minus strand). VCF-style: chr9-70536200-T-C. GRCh37 (hg19) VCF-style: chr9-73151116-T-C.
Other names: c.4877A>G, p.Asn1626Ser (NM_001007471.4); c.4883A>G, p.Asn1628Ser (NM_001366141.2, NM_001366149.2); c.4988A>G, p.Asn1663Ser (NM_001366147.2); c.4418A>G, p.Asn1473Ser (NM_020952.6); c.4454A>G, p.Asn1485Ser (NM_024971.7); c.4388A>G, p.Asn1463Ser (NM_206944.5); c.4424A>G, p.Asn1475Ser (NM_206945.5); c.4493A>G, p.Asn1498Ser (NM_206946.5); and 9 more; short protein forms N1463S, N1473S, N1475S, N1485S, N1488S, N1498S, N1626S, N1628S.
Identifiers: ClinVar variation 1343241 (VCV001343241.1), dbSNP rs2041696318, ClinGen allele CA373547820.
Genomic context (GRCh38, chr9:70,536,200, plus strand): 5'-GGCGCACTTGGCTCCTCTGCCGAGTAGCTGTTGGCGCGCTCTATCTTGGGAACAGTGATG[T>C]TGTTGGACAGGGTTCTCTCTGAGTTATCACCCTCCTGGGAGGATATTGCAATGGTGGCTC-3'
Protein context (NP_001353074.1, residues 1628-1648): GDNSERTLSN[Asn1638Ser]ITVPKIERAN

ClinVar aggregate classification (germline): Likely pathogenic (1 of 4 stars; one submission).

Submission:

Institute of Human Genetics, Clinical Exome/Genome Diagnostics Group, University Hospital Bonn
Classification: Likely pathogenic. Last evaluated: 2021-10-08. Review status: criteria provided, single submitter. Criteria: ACMG Guidelines, 2015. Collection method: clinical testing. Allele origin: de novo. Affected: yes.
Comment: PS2, PM2